The following is an entry in ClinVar:

ClinVar aggregate classification (germline): Uncertain significance. Review status: criteria provided, multiple submitters, no conflicts (2 of 4 stars). 2 submissions from 2 submitters: Uncertain significance (2). Last evaluated 2025-11-09.

Conditions:
Inborn genetic diseases. Identifiers: MedGen C0950123, MeSH D030342.

gnomAD v4.1: 3 of 1,614,270 alleles (0.00019%); highest among the groups gnomAD compares: Non-Finnish European, 0.00025%; no homozygotes.

Submissions (2):

Labcorp Genetics (formerly Invitae), Labcorp
Classification: Uncertain significance. Last evaluated: 2025-11-09. Review status: criteria provided, single submitter. Criteria: Invitae Variant Classification Sherloc (09022015). Collection method: clinical testing. Allele origin: germline.
Comment: This sequence change replaces lysine, which is basic and polar, with threonine, which is neutral and polar, at codon 1235 of the KMT2A protein (p.Lys1235Thr). This variant is not present in population databases (gnomAD no frequency). This variant has not been reported in the literature in individuals affected with KMT2A-related conditions. ClinVar contains an entry for this variant (Variation ID: 2608785). Invitae Evidence Modeling of protein sequence and biophysical properties (such as structural, functional, and spatial information, amino acid conservation, physicochemical variation, residue mobility, and thermodynamic stability) has been performed for this missense variant. However, the output from this modeling did not meet the statistical confidence thresholds required to predict the impact of this variant on KMT2A protein function. In summary, the available evidence is currently insufficient to determine the role of this variant in disease. Therefore, it has been classified as a Variant of Uncertain Significance.

Ambry Genetics
Classification: Uncertain significance for Inborn genetic diseases. Last evaluated: 2023-06-29. Review status: criteria provided, single submitter. Criteria: Ambry Variant Classification Scheme 2023. Collection method: clinical testing. Allele origin: germline.

NM_001197104.2(KMT2A):c.3704A>C (p.Lys1235Thr)

Gene: KMT2A (lysine methyltransferase 2A; plus strand). Cytogenetic location: 11q23.3.
Variant type: single nucleotide variant.
Coding change: c.3704A>C on transcript NM_001197104.2 (MANE Select); coding-DNA position 3704, A replaced by C.
Protein change: p.Lys1235Thr; replaces lysine 1235 with threonine.
Molecular consequence: missense variant.
Genome position (GRCh38, 1-based): chr11:118,481,784, A>C. VCF-style: chr11-118481784-A-C. GRCh37 (hg19) VCF-style: chr11-118352499-A-C.
Other names: c.3803A>C, p.Lys1268Thr (NM_001412597.1); c.3704A>C, p.Lys1235Thr (NM_005933.4); short protein forms K1268T, K1235T.
Identifiers: ClinVar variation 2608785 (VCV002608785.5), dbSNP rs1325884084, ClinGen allele CA382827336.